The following is an entry in ClinVar:

ClinVar aggregate classification (germline): Conflicting classifications of pathogenicity. Review status: criteria provided, conflicting classifications (1 of 4 stars). 2 submissions from 2 submitters: Uncertain significance (1); Likely benign (1). Last evaluated 2025-08-04.

gnomAD v4.1: 53 of 1,613,794 alleles (0.0033%); highest among the groups gnomAD compares: African/African-American, 0.044%; no homozygotes.

Submissions (2):

Ambry Genetics
Classification: Likely benign. Last evaluated: 2025-08-04. Review status: criteria provided, single submitter. Criteria: Ambry Variant Classification Scheme 2023. Collection method: clinical testing. Allele origin: germline.

GeneDx
Classification: Uncertain significance. Last evaluated: 2024-04-16. Review status: criteria provided, single submitter. Criteria: GeneDx Variant Classification Process June 2021. Collection method: clinical testing. Allele origin: germline. Affected: yes.
Comment: In silico analysis supports that this missense variant has a deleterious effect on protein structure/function; Has not been previously published as pathogenic or benign to our knowledge; Variants in candidate genes are classified as variants of uncertain significance in accordance with ACMG guidelines (PMID: 25741868)

NM_024721.5(ZFHX4):c.3829G>A (p.Glu1277Lys)

Gene: ZFHX4 (zinc finger homeobox 4; plus strand). Cytogenetic location: 8q21.13.
Variant type: single nucleotide variant.
Coding change: c.3829G>A on transcript NM_024721.5 (MANE Select); coding-DNA position 3829, G replaced by A.
Protein change: p.Glu1277Lys; replaces glutamic acid 1277 with lysine.
Molecular consequence: missense variant.
Genome position (GRCh38, 1-based): chr8:76,849,695, G>A. VCF-style: chr8-76849695-G-A. GRCh37 (hg19) VCF-style: chr8-77761931-G-A.
Other names: c.3751G>A, p.Glu1251Lys (NM_001410934.1); short protein forms E1251K, E1277K.
Identifiers: ClinVar variation 3900333 (VCV003900333.2).